The following is an entry in ClinVar:

NM_001001888.4(VCX3B):c.715G>C (p.Glu239Gln)

Gene: VCX3B (variable charge X-linked 3B; plus strand). Cytogenetic location: Xp22.31.
Variant type: single nucleotide variant.
Coding change: c.715G>C on transcript NM_001001888.4 (MANE Select); coding-DNA position 715, G replaced by C.
Protein change: p.Glu239Gln; replaces glutamic acid 239 with glutamine.
Molecular consequence: missense variant.
Genome position (GRCh38, 1-based): chrX:8,466,357, G>C. VCF-style: chrX-8466357-G-C. GRCh37 (hg19) VCF-style: chrX-8434398-G-C.
Other names: short protein forms E239Q.
Identifiers: ClinVar variation 2205504 (VCV002205504.7), dbSNP rs200486086, ClinGen allele CA326033849.
Genomic context (GRCh38, chrX:8,466,357, plus strand): 5'-CAGGTGGAGGAACCACTGAGTCAGGAGAGCGAGATGGAAGAACCACTGAGTCAGGAGAGC[G>C]AGATGGAAGAACTACCGAGTGTGTAGACGGCCAAGTACTCCCCTATCTCCGAGAGCAGCG-3'
Protein context (NP_001001888.3, residues 229-246): EMEEPLSQES[Glu239Gln]MEELPSV

ClinVar aggregate classification (germline): Conflicting classifications of pathogenicity. Review status: criteria provided, conflicting classifications (1 of 4 stars). 2 submissions from 2 submitters: Uncertain significance (1); Likely benign (1). Last evaluated 2026-02-01.

Allele frequency attached by ClinVar (database versions not stated): gnomAD exomes 0.00004.

Submissions (2):

CeGaT Center for Human Genetics Tuebingen
Classification: Likely benign. Last evaluated: 2026-02-01. Review status: criteria provided, single submitter. Criteria: CeGaT Center For Human Genetics Tuebingen Variant Classification Criteria Version 2. Collection method: clinical testing. Allele origin: germline. Affected: yes. Observed: 1 variant allele.
Comment: VCX3B: BP4, BS2

Ambry Genetics
Classification: Uncertain significance. Last evaluated: 2024-03-28. Review status: criteria provided, single submitter. Criteria: Ambry Variant Classification Scheme 2023. Collection method: clinical testing. Allele origin: germline.